The following is an entry in ClinVar:

NM_001322934.2(NFKB2):c.662A>G (p.Lys221Arg)

Genes: NFKB2 (nuclear factor kappa B subunit 2; plus strand), LOC121815964 (Sharpr-MPRA regulatory region 13585; plus strand). Cytogenetic location: 10q24.32.
Variant type: single nucleotide variant.
Coding change: c.662A>G on transcript NM_001322934.2 (MANE Select); coding-DNA position 662, A replaced by G.
Protein change: p.Lys221Arg; replaces lysine 221 with arginine.
Molecular consequence: missense variant.
Genome position (GRCh38, 1-based): chr10:102,397,981, A>G. VCF-style: chr10-102397981-A-G. GRCh37 (hg19) VCF-style: chr10-104157738-A-G.
Other names: c.662A>G, p.Lys221Arg (NM_001077494.3, NM_001261403.3, NM_001288724.1 and 2 more transcripts); short protein forms K221R.
Identifiers: ClinVar variation 1006763 (VCV001006763.8), dbSNP rs2061147566, ClinGen allele CA377897221.

ClinVar aggregate classification (germline): Uncertain significance (1 of 4 stars; one submission).

Conditions:
Immunodeficiency, common variable, 10. Also called: DEFICIT IN ANTERIOR PITUITARY FUNCTION AND VARIABLE IMMUNODEFICIENCY; IMMUNODEFICIENCY, COMMON VARIABLE, WITH CENTRAL ADRENAL INSUFFICIENCY. Identifiers: MedGen C3809991, MONDO:0014260, OMIM 615577.

Submission:

Labcorp Genetics (formerly Invitae), Labcorp
Classification: Uncertain significance for Immunodeficiency, common variable, 10. Last evaluated: 2020-08-16. Review status: criteria provided, single submitter. Criteria: Invitae Variant Classification Sherloc (09022015). Collection method: clinical testing. Allele origin: germline.
Comment: In summary, the available evidence is currently insufficient to determine the role of this variant in disease. Therefore, it has been classified as a Variant of Uncertain Significance. Algorithms developed to predict the effect of missense changes on protein structure and function (SIFT, PolyPhen-2, Align-GVGD) all suggest that this variant is likely to be disruptive, but these predictions have not been confirmed by published functional studies and their clinical significance is uncertain. This variant has not been reported in the literature in individuals with NFKB2-related conditions. This variant is not present in population databases (ExAC no frequency). This sequence change replaces lysine with arginine at codon 221 of the NFKB2 protein (p.Lys221Arg). The lysine residue is highly conserved and there is a small physicochemical difference between lysine and arginine.